The following is an entry in ClinVar:

NM_022081.6(HPS4):c.1399A>G (p.Arg467Gly)

Gene: HPS4 (HPS4 biogenesis of lysosomal organelles complex 3 subunit 2; minus strand). Cytogenetic location: 22q12.1.
Variant type: single nucleotide variant.
Coding change: c.1399A>G on transcript NM_022081.6 (MANE Select); coding-DNA position 1399, A replaced by G.
Protein change: p.Arg467Gly; replaces arginine 467 with glycine.
Molecular consequence: missense variant. On other transcripts: non-coding transcript variant (8).
Genome position (GRCh38, 1-based): chr22:26,464,231, T>C on the plus strand (A>G on the coding strand, the complement: HPS4 is on the minus strand). VCF-style: chr22-26464231-T-C. GRCh37 (hg19) VCF-style: chr22-26860197-T-C.
Other names: c.1399A>G, p.Arg467Gly (NM_001349896.1, NM_001349898.2, NM_001349899.2 and 5 more transcripts); c.1453A>G, p.Arg485Gly (NM_001349900.2, NM_001349901.1); c.1384A>G, p.Arg462Gly (NM_152841.2); short protein forms R467G, R485G, R462G.
Identifiers: ClinVar variation 2862473 (VCV002862473.3), dbSNP rs751051493, ClinGen allele CA411027103.

ClinVar aggregate classification (germline): Uncertain significance (1 of 4 stars; one submission).

gnomAD v4.1: 2 of 1,614,212 alleles (0.00012%); highest among the groups gnomAD compares: Non-Finnish European, 0.000085%; no homozygotes.

Submission:

Labcorp Genetics (formerly Invitae), Labcorp
Classification: Uncertain significance. Last evaluated: 2023-08-17. Review status: criteria provided, single submitter. Criteria: Invitae Variant Classification Sherloc (09022015). Collection method: clinical testing. Allele origin: germline.
Comment: This variant has not been reported in the literature in individuals affected with HPS4-related conditions. In summary, the available evidence is currently insufficient to determine the role of this variant in disease. Therefore, it has been classified as a Variant of Uncertain Significance. Algorithms developed to predict the effect of missense changes on protein structure and function output the following: SIFT: "Not Available"; PolyPhen-2: "Benign"; Align-GVGD: "Not Available". The glycine amino acid residue is found in multiple mammalian species, which suggests that this missense change does not adversely affect protein function. This variant is present in population databases (no rsID available, gnomAD 0.004%). This sequence change replaces arginine, which is basic and polar, with glycine, which is neutral and non-polar, at codon 467 of the HPS4 protein (p.Arg467Gly).